The following is an entry in ClinVar:

ClinVar aggregate classification (germline): Uncertain significance. Review status: criteria provided, multiple submitters, no conflicts (2 of 4 stars). 2 submissions from 2 submitters: Uncertain significance (2). Last evaluated 2026-10-22.

Conditions:
Cryopyrin associated periodic syndrome (CAPS). Identifiers: Orphanet 208650, MedGen C2316212, MONDO:0016168.

Allele frequency attached by ClinVar (database versions not stated): TOPMed 0.00001.

Submissions (2):

GeneDx
Classification: Uncertain significance. Last evaluated: 2026-10-22. Review status: criteria provided, single submitter. Criteria: GeneDx Variant Classification Process June 2021. Collection method: clinical testing. Allele origin: germline.
Comment: Not observed at significant frequency in large population cohorts (gnomAD); In silico analysis suggests that this missense variant does not alter protein structure/function; Has not been previously published as pathogenic or benign in association with an NLRP3-related disorder to our knowledge; Also known as p.(K593E); This variant is associated with the following publications: (PMID: 39930093, 19302049)

Labcorp Genetics (formerly Invitae), Labcorp
Classification: Uncertain significance for Cryopyrin associated periodic syndrome. Last evaluated: 2022-07-30. Review status: criteria provided, single submitter. Criteria: Invitae Variant Classification Sherloc (09022015). Collection method: clinical testing. Allele origin: germline.
Comment: In summary, the available evidence is currently insufficient to determine the role of this variant in disease. Therefore, it has been classified as a Variant of Uncertain Significance. Algorithms developed to predict the effect of missense changes on protein structure and function (SIFT, PolyPhen-2, Align-GVGD) all suggest that this variant is likely to be tolerated. This variant has not been reported in the literature in individuals affected with NLRP3-related conditions. This variant is not present in population databases (gnomAD no frequency). This sequence change replaces lysine, which is basic and polar, with glutamic acid, which is acidic and polar, at codon 595 of the NLRP3 protein (p.Lys595Glu).

NM_001243133.2(NLRP3):c.1777A>G (p.Lys593Glu)

Gene: NLRP3 (NLR family pyrin domain containing 3; plus strand). Cytogenetic location: 1q44.
Variant type: single nucleotide variant.
Coding change: c.1777A>G on transcript NM_001243133.2 (MANE Select); coding-DNA position 1777, A replaced by G.
Protein change: p.Lys593Glu; replaces lysine 593 with glutamic acid.
Molecular consequence: missense variant.
Genome position (GRCh38, 1-based): chr1:247,425,226, A>G. VCF-style: chr1-247425226-A-G. GRCh37 (hg19) VCF-style: chr1-247588528-A-G.
Other names: c.1777A>G, p.Lys593Glu (NM_001079821.3, NM_001127461.3, NM_001127462.3 and 1 more transcripts); c.1783A>G, p.Lys595Glu (NM_004895.5); short protein forms K593E, K595E.
Identifiers: ClinVar variation 2169396 (VCV002169396.6), dbSNP rs1209709155, ClinGen allele CA345557790.
Genomic context (GRCh38, chr1:247,425,226, plus strand): 5'-TTTGTTGTACGTTTCCTCTTTGGCCTGGTAAACCAGGAGAGGACCTCCTACTTGGAGAAG[A>G]AATTAAGTTGCAAGATCTCTCAGCAAATCAGGCTGGAGCTGCTGAAATGGATTGAAGTGA-3'
Protein context (NP_001230062.1, residues 583-603): NQERTSYLEK[Lys593Glu]LSCKISQQIR